The following is an entry in ClinVar:

ClinVar aggregate classification (germline): Pathogenic/Likely pathogenic. Review status: criteria provided, multiple submitters, no conflicts (2 of 4 stars). 5 submissions from 5 submitters: Pathogenic (3); Likely pathogenic (2). Last evaluated 2025-11-24.

Conditions:
Intellectual disability, X-linked 102 (MRXSSB). Also called: Intellectual developmental disorder, X-linked syndromic, Snijders Blok type. Identifiers: Orphanet 457260, MedGen C5393299, MONDO:0010497, OMIM 300958.

Submissions (5):

GeneDx
Classification: Pathogenic. Last evaluated: 2025-11-24. Review status: criteria provided, single submitter. Criteria: GeneDx Variant Classification Process June 2021. Collection method: clinical testing. Allele origin: germline. Affected: yes.
Comment: Reported as a de novo variant in a large cohort of individuals with developmental disorders undergoing exome sequencing; however, detailed clinical and segregation data was not provided (PMID: 33504798); In silico analysis supports a deleterious effect on splicing; Not observed at significant frequency in large population cohorts (gnomAD); This variant is associated with the following publications: (PMID: 33057194, 36114283, 35982159, 38421120, 37904618, 40418049, 33504798)

3billion
Classification: Pathogenic for Intellectual disability, X-linked 102. Last evaluated: 2025-11-13. Review status: criteria provided, single submitter. Criteria: ACMG Guidelines, 2015. Collection method: clinical testing. Allele origin: germline. Affected: yes.
Comment: The variant is not observed in the gnomAD v4.1.0 dataset. Predicted Consequence/Location: Synonymous variant In silico tools predict the variant to alter splicing and produce an abnormal transcript [SpliceAI: 0.87 (>=0.2, moderate evidence for spliceogenicity)]. The variant has been previously reported as {italic::de novo} in a similarly affected individual (PMID: 33504798). The variant has been reported at least twice as pathogenic with clinical assertions and evidence for the classification (ClinVar ID: VCV000624401). Therefore, this variant is classified as Pathogenic according to the recommendation of ACMG/AMP guideline.

Clinical Genomics Laboratory, Washington University in St. Louis
Classification: Likely pathogenic for Intellectual disability, X-linked 102. Last evaluated: 2025-06-13. Review status: criteria provided, single submitter. Criteria: ACMG Guidelines, 2015. Collection method: clinical testing. Allele origin: germline. Affected: yes.
Comment: The DDX3X c.744C>T (p.Gly248=) variant has been reported as occurring de novo in four individuals affected with Snijders Blok type of X-linked syndromic intellectual developmental disorder (Forbes EJ et al., PMID: 38421120; Martin HC et al., PMID: 33504798; van der Sanden BPGH et al., PMID: 36114283). This variant is absent from the general population (gnomAD v2.1.1), indicating it is not a common variant. Computational predictors indicate that this variant would alter splicing, evidence that correlates to an impact of this variant DDX3X function. This variant has been reported in the ClinVar database as a germline pathogenic variant by two submitters and likely pathogenic by one submitter. Based on available information and the ACMG/AMP guidelines for variant interpretation (Richards S et al., PMID: 25741868), this variant is classified as likely pathogenic.

Mendelics
Classification: Pathogenic for Intellectual disability, X-linked 102. Last evaluated: 2022-05-04. Review status: criteria provided, single submitter. Criteria: Mendelics Assertion Criteria 2019. Collection method: clinical testing. Allele origin: germline.

CeGaT Center for Human Genetics Tuebingen
Classification: Likely pathogenic. Last evaluated: 2018-07-01. Review status: criteria provided, single submitter. Criteria: CeGaT Center For Human Genetics Tuebingen Variant Classification Criteria Version 2. Collection method: clinical testing. Allele origin: germline. Affected: yes. Observed: 3 variant alleles.

Literature cited by the submitters: PubMed 33504798 (cited by 3billion).

NM_001356.5(DDX3X):c.744C>T (p.Gly248=)

Gene: DDX3X (DEAD-box helicase 3 X-linked; plus strand). Cytogenetic location: Xp11.4.
Variant type: single nucleotide variant.
Coding change: c.744C>T on transcript NM_001356.5 (MANE Select); coding-DNA position 744, C replaced by T.
Protein change: p.Gly248=; no amino-acid change (glycine 248 retained).
Molecular consequence: synonymous variant. On other transcripts: non-coding transcript variant (1).
Genome position (GRCh38, 1-based): chrX:41,343,801, C>T. VCF-style: chrX-41343801-C-T. GRCh37 (hg19) VCF-style: chrX-41203054-C-T.
Other names: c.744C>T, p.Gly248= (NM_001193416.3); c.696C>T, p.Gly232= (NM_001193417.3); c.186C>T, p.Gly62= (NM_001363819.1).
Identifiers: ClinVar variation 624401 (VCV000624401.53), dbSNP rs1569238002, ClinGen allele CA515969967.